The following is an entry in ClinVar:

ClinVar aggregate classification (germline): Uncertain significance (1 of 4 stars; one submission).

Conditions:
Tuberous sclerosis 1 (TSC1). Identifiers: Orphanet 805, MedGen C1854465, MONDO:0008612, OMIM 191100.

Submission:

Labcorp Genetics (formerly Invitae), Labcorp
Classification: Uncertain significance for Tuberous sclerosis 1. Last evaluated: 2025-07-09. Review status: criteria provided, single submitter. Criteria: Invitae Variant Classification Sherloc (09022015). Collection method: clinical testing. Allele origin: germline.
Comment: This sequence change replaces tyrosine, which is neutral and polar, with histidine, which is basic and polar, at codon 275 of the TSC1 protein (p.Tyr275His). This variant is not present in population databases (gnomAD no frequency). This variant has not been reported in the literature in individuals affected with TSC1-related conditions. Invitae Evidence Modeling of protein sequence and biophysical properties (such as structural, functional, and spatial information, amino acid conservation, physicochemical variation, residue mobility, and thermodynamic stability) indicates that this missense variant is not expected to disrupt TSC1 protein function with a negative predictive value of 95%. In summary, the available evidence is currently insufficient to determine the role of this variant in disease. Therefore, it has been classified as a Variant of Uncertain Significance.

NM_000368.5(TSC1):c.823T>C (p.Tyr275His)

Gene: TSC1 (TSC complex subunit 1; minus strand). Cytogenetic location: 9q34.13.
Variant type: single nucleotide variant.
Coding change: c.823T>C on transcript NM_000368.5 (MANE Select); coding-DNA position 823, T replaced by C.
Protein change: p.Tyr275His; replaces tyrosine 275 with histidine.
Molecular consequence: missense variant. On other transcripts: 5 prime UTR variant (5), non-coding transcript variant (5).
Genome position (GRCh38, 1-based): chr9:132,912,372, A>G on the plus strand (T>C on the coding strand, the complement: TSC1 is on the minus strand). VCF-style: chr9-132912372-A-G. GRCh37 (hg19) VCF-style: chr9-135787759-A-G.
Other names: c.823T>C, p.Tyr275His (NM_001406599.1, NM_001406600.1, NM_001406601.1 and 16 more transcripts); c.670T>C, p.Tyr224His (NM_001162427.2, NM_001406610.1, NM_001406611.1 and 2 more transcripts); c.460T>C, p.Tyr154His (NM_001362177.2, NM_001406614.1, NM_001406615.1 and 10 more transcripts); c.-129T>C (NM_001406626.1, NM_001406627.1, NM_001406628.1); c.-271T>C (NM_001406629.1, NM_001406630.1); short protein forms Y275H, Y224H, Y154H.
Identifiers: ClinVar variation 4709653 (VCV004709653.1).